The following is an entry in ClinVar:

NM_000257.4(MYH7):c.2716G>A (p.Asp906Asn)

Gene: MYH7 (myosin heavy chain 7; minus strand). Cytogenetic location: 14q11.2.
Variant type: single nucleotide variant.
Coding change: c.2716G>A on transcript NM_000257.4 (MANE Select); coding-DNA position 2716, G replaced by A.
Protein change: p.Asp906Asn; replaces aspartic acid 906 with asparagine.
Molecular consequence: missense variant.
Genome position (GRCh38, 1-based): chr14:23,424,113, C>T on the plus strand (G>A on the coding strand, the complement: MYH7 is on the minus strand). VCF-style: chr14-23424113-C-T. GRCh37 (hg19) VCF-style: chr14-23893322-C-T.
Other names: short protein forms D906N.
Identifiers: ClinVar variation 42925 (VCV000042925.6), dbSNP rs397516164, ClinGen allele CA012930.

ClinVar aggregate classification (germline): Conflicting classifications of pathogenicity. Review status: criteria provided, conflicting classifications (1 of 4 stars). 2 submissions from 2 submitters: Likely pathogenic (1); Uncertain significance (1). Last evaluated 2026-01-13.

Conditions:
Hypertrophic cardiomyopathy. Also called: HYPERTROPHIC MYOCARDIOPATHY. Identifiers: Orphanet 217569, MedGen C0007194, MeSH D002312, MONDO:0005045, HP:0001639.

Allele frequency attached by ClinVar (database versions not stated): gnomAD exomes below 0.00001.
gnomAD v4.1: 1 of 1,614,218 alleles (0.000062%); highest among the groups gnomAD compares: Admixed American, 0.0017%; no homozygotes.

Submissions (2):

Labcorp Genetics (formerly Invitae), Labcorp
Classification: Likely pathogenic for Hypertrophic cardiomyopathy. Last evaluated: 2026-01-13. Review status: criteria provided, single submitter. Criteria: Invitae Variant Classification Sherloc (09022015). Collection method: clinical testing. Allele origin: germline.
Comment: This sequence change replaces aspartic acid, which is acidic and polar, with asparagine, which is neutral and polar, at codon 906 of the MYH7 protein (p.Asp906Asn). This variant is present in population databases (rs397516164, gnomAD 0.003%). This missense change has been observed in individual(s) with hypertrophic cardiomyopathy (PMID: 27532257; internal data). ClinVar contains an entry for this variant (Variation ID: 42925). Invitae Evidence Modeling of protein sequence and biophysical properties (such as structural, functional, and spatial information, amino acid conservation, physicochemical variation, residue mobility, and thermodynamic stability) indicates that this missense variant is expected to disrupt MYH7 protein function with a positive predictive value of 95%. This variant disrupts the p.Asp906 amino acid residue in MYH7. Other variant(s) that disrupt this residue have been determined to be pathogenic (PMID: 12081993, 15528230, 24510615, 24704860). This suggests that this residue is clinically significant, and that variants that disrupt this residue are likely to be disease-causing. In summary, the currently available evidence indicates that the variant is pathogenic, but additional data are needed to prove that conclusively. Therefore, this variant has been classified as Likely Pathogenic.

Laboratory for Molecular Medicine, Mass General Brigham Personalized Medicine
Classification: Uncertain significance. Last evaluated: 2010-06-18. Review status: criteria provided, single submitter. Criteria: LMM Criteria. Collection method: clinical testing. Allele origin: germline. Observed: 1 variant allele.
Comment: Variant classified as Uncertain Significance - Favor Pathogenic. Aspartic acid ( Asp) at position 906 is conserved across evolutionary distant species, increasin g the likelihood that the change is pathogenic. In addition, the vast majority o f missense variants in MYH7 are pathogenic (LMM unpublished data), further incre asing the likelihood that this variant is disease causing. Finally, another cha nge at the same position (Asp906Gly) is known to be disease causing. However, in the absence of additional supporting data such as absence from healthy controls and/or segregation with disease, the clinical significance of this variant cann ot be determined at this time.

Literature cited by the submitters: PubMed 27532257 (cited by Labcorp Genetics (formerly Invitae), Labcorp); PubMed 12081993 (cited by Labcorp Genetics (formerly Invitae), Labcorp); PubMed 15528230 (cited by Labcorp Genetics (formerly Invitae), Labcorp); PubMed 24510615 (cited by Labcorp Genetics (formerly Invitae), Labcorp); PubMed 24704860 (cited by Labcorp Genetics (formerly Invitae), Labcorp); PubMed 19336582 (cited by Laboratory for Molecular Medicine, Mass General Brigham Personalized Medicine).